The following is an entry in ClinVar:

NM_016616.5(NME8):c.738C>T (p.Thr246=)

Gene: NME8 (NME/NM23 family member 8; plus strand). Cytogenetic location: 7p14.1.
Variant type: single nucleotide variant.
Coding change: c.738C>T on transcript NM_016616.5 (MANE Select); coding-DNA position 738, C replaced by T.
Protein change: p.Thr246=; no amino-acid change (threonine 246 retained).
Molecular consequence: synonymous variant.
Genome position (GRCh38, 1-based): chr7:37,867,818, C>T. VCF-style: chr7-37867818-C-T. GRCh37 (hg19) VCF-style: chr7-37907420-C-T.
Identifiers: ClinVar variation 536829 (VCV000536829.34), dbSNP rs201321298, ClinGen allele CA4222321.

ClinVar aggregate classification (germline): Likely benign. Review status: criteria provided, multiple submitters, no conflicts (2 of 4 stars). 2 submissions from 2 submitters: Likely benign (2). Last evaluated 2025-07-09.

Conditions:
Primary ciliary dyskinesia 6. Also called: Primary Ciliary Dyskinesia 6: TXNDC3-Related Primary Ciliary Dyskinesia. Identifiers: Orphanet 244, MedGen C1970506, MONDO:0012571, OMIM 610852.

Allele frequency attached by ClinVar (database versions not stated): ExAC 0.00002; TOPMed 0.00002; gnomAD 0.00003; gnomAD exomes 0.00003 and 0.00004; 1000 Genomes Project 30x 0.00016; 1000 Genomes Project 0.00020.
gnomAD v4.1: 65 of 1,613,852 alleles (0.004%); highest among the groups gnomAD compares: Middle Eastern, 0.05%; no homozygotes.

Submissions (2):

Labcorp Genetics (formerly Invitae), Labcorp
Classification: Likely benign for Primary ciliary dyskinesia 6. Last evaluated: 2025-07-09. Review status: criteria provided, single submitter. Criteria: Invitae Variant Classification Sherloc (09022015). Collection method: clinical testing. Allele origin: germline.

CeGaT Center for Human Genetics Tuebingen
Classification: Likely benign. Last evaluated: 2023-04-01. Review status: criteria provided, single submitter. Criteria: CeGaT Center For Human Genetics Tuebingen Variant Classification Criteria Version 2. Collection method: clinical testing. Allele origin: germline. Affected: yes. Observed: 1 variant allele.
Comment: NME8: BP4, BP7